The following is an entry in ClinVar:

NM_014714.4(IFT140):c.4132G>A (p.Val1378Ile)

Gene: IFT140 (intraflagellar transport 140; minus strand). Cytogenetic location: 16p13.3.
Variant type: single nucleotide variant.
Coding change: c.4132G>A on transcript NM_014714.4 (MANE Select); coding-DNA position 4132, G replaced by A.
Protein change: p.Val1378Ile; replaces valine 1378 with isoleucine.
Molecular consequence: missense variant.
Genome position (GRCh38, 1-based): chr16:1,518,266, C>T on the plus strand (G>A on the coding strand, the complement: IFT140 is on the minus strand). VCF-style: chr16-1518266-C-T. GRCh37 (hg19) VCF-style: chr16-1568267-C-T.
Other names: short protein forms V1378I.
Identifiers: ClinVar variation 2188246 (VCV002188246.5), dbSNP rs750708238, ClinGen allele CA7812895.

ClinVar aggregate classification (germline): Uncertain significance. Review status: criteria provided, multiple submitters, no conflicts (2 of 4 stars). 2 submissions from 2 submitters: Uncertain significance (2). Last evaluated 2023-10-01.

Conditions:
Retinal dystrophy. Also called: Inherited retinal dystrophy. Identifiers: Orphanet 71862, MedGen C0854723, MeSH D058499, MONDO:0019118, HP:0000556.
Saldino-Mainzer syndrome (SRTD9). Also called: short-rib thoracic dysplasia 9 with or without polydactyly; CONORENAL SYNDROME; Renal dysplasia, retinal pigmentary dystrophy, cerebellar ataxia and skeletal dysplasia; SHORT-RIB THORACIC DYSPLASIA 9 WITHOUT POLYDACTYLY. Identifiers: Orphanet 140969, MedGen C1849437, MONDO:0009964, OMIM 266920.

Allele frequency attached by ClinVar (database versions not stated): ExAC 0.00001; gnomAD 0.00001; gnomAD exomes 0.00001; TOPMed 0.00001.
gnomAD v4.1: 9 of 1,614,040 alleles (0.00056%); highest among the groups gnomAD compares: East Asian, 0.0022%; no homozygotes.

Submissions (2):

Dept Of Ophthalmology, Nagoya University
Classification: Uncertain significance for Retinal dystrophy. Last evaluated: 2023-10-01. Review status: criteria provided, single submitter. Criteria: Submitter's publication. Collection method: research. Allele origin: germline. Affected: yes.

Labcorp Genetics (formerly Invitae), Labcorp
Classification: Uncertain significance for Saldino-Mainzer syndrome. Last evaluated: 2022-07-25. Review status: criteria provided, single submitter. Criteria: Invitae Variant Classification Sherloc (09022015). Collection method: clinical testing. Allele origin: germline.
Comment: This sequence change replaces valine, which is neutral and non-polar, with isoleucine, which is neutral and non-polar, at codon 1378 of the IFT140 protein (p.Val1378Ile). In summary, the available evidence is currently insufficient to determine the role of this variant in disease. Therefore, it has been classified as a Variant of Uncertain Significance. Algorithms developed to predict the effect of missense changes on protein structure and function output the following: SIFT: "Tolerated"; PolyPhen-2: "Benign"; Align-GVGD: "Class C0". The isoleucine amino acid residue is found in multiple mammalian species, which suggests that this missense change does not adversely affect protein function. This variant has not been reported in the literature in individuals affected with IFT140-related conditions. This variant is present in population databases (rs750708238, gnomAD 0.0009%).